The following is an entry in ClinVar:

ClinVar aggregate classification (germline): Uncertain significance (1 of 4 stars; one submission).

Conditions:
POLD1-related polyposis and colorectal cancer syndrome (CRCS10). Also called: Colorectal cancer 10; COLORECTAL CANCER, SUSCEPTIBILITY TO, ON CHROMOSOME 19q; Colorectal cancer, susceptibility to, 10. Identifiers: Orphanet 220460, MedGen C2675481, MONDO:0012953, OMIM 612591.

Submission:

Labcorp Genetics (formerly Invitae), Labcorp
Classification: Uncertain significance for POLD1-related polyposis and colorectal cancer syndrome. Last evaluated: 2024-02-07. Review status: criteria provided, single submitter. Criteria: Invitae Variant Classification Sherloc (09022015). Collection method: clinical testing. Allele origin: germline.
Comment: This sequence change falls in intron 7 of the POLD1 gene. It does not directly change the encoded amino acid sequence of the POLD1 protein. This variant is not present in population databases (gnomAD no frequency). This variant has not been reported in the literature in individuals affected with POLD1-related conditions. Experimental studies and prediction algorithms are not available or were not evaluated, and the effect of this variant on mRNA splicing is currently unknown. In summary, the available evidence is currently insufficient to determine the role of this variant in disease. Therefore, it has been classified as a Variant of Uncertain Significance.

NM_002691.4(POLD1):c.840+11_840+25del

Gene: POLD1 (DNA polymerase delta 1, catalytic subunit; plus strand). Cytogenetic location: 19q13.33.
Variant type: Deletion.
Coding change: c.840+11_840+25del on transcript NM_002691.4 (MANE Select); bases 11 to 25 of the intron after coding-DNA position 840, 15 bases deleted (TCCCAGGGCAGGGCT).
Molecular consequence: intron variant.
Genome position (GRCh38, 1-based): chr19:50,402,546-50,402,560, TCCCAGGGCAGGGCT deleted; deleting any 15 consecutive bases within chr19:50,402,538-50,402,560 gives the same sequence; the c. name uses the placement nearest the transcript's 3' end. VCF-style (leftmost placement, unchanged base first): chr19-50402537-TGCAGGGCTTCCCAGG-T. GRCh37 (hg19) VCF-style: chr19-50905794-TGCAGGGCTTCCCAGG-T.
Other names: c.840+11_840+25del (NM_001256849.1, NM_001308632.1).
Identifiers: ClinVar variation 3639364 (VCV003639364.2).